The following is an entry in ClinVar:

ClinVar aggregate classification (germline): Uncertain significance (1 of 4 stars; one submission).

Submission:

Labcorp Genetics (formerly Invitae), Labcorp
Classification: Uncertain significance. Last evaluated: 2024-10-13. Review status: criteria provided, single submitter. Criteria: Invitae Variant Classification Sherloc (09022015). Collection method: clinical testing. Allele origin: germline.
Comment: This sequence change replaces leucine, which is neutral and non-polar, with valine, which is neutral and non-polar, at codon 588 of the PPP2R1A protein (p.Leu588Val). This variant is not present in population databases (gnomAD no frequency). This variant has not been reported in the literature in individuals affected with PPP2R1A-related conditions. An algorithm developed to predict the effect of missense changes on protein structure and function (PolyPhen-2) suggests that this variant is likely to be tolerated. In summary, the available evidence is currently insufficient to determine the role of this variant in disease. Therefore, it has been classified as a Variant of Uncertain Significance.

NM_014225.6(PPP2R1A):c.1762C>G (p.Leu588Val)

Gene: PPP2R1A (protein phosphatase 2 scaffold subunit Aalpha; plus strand). Cytogenetic location: 19q13.41.
Variant type: single nucleotide variant.
Coding change: c.1762C>G on transcript NM_014225.6 (MANE Select); coding-DNA position 1762, C replaced by G.
Protein change: p.Leu588Val; replaces leucine 588 with valine.
Molecular consequence: missense variant. On other transcripts: non-coding transcript variant (1).
Genome position (GRCh38, 1-based): chr19:52,225,973, C>G. VCF-style: chr19-52225973-C-G. GRCh37 (hg19) VCF-style: chr19-52729226-C-G.
Other names: c.1225C>G, p.Leu409Val (NM_001363656.2); short protein forms L409V, L588V.
Identifiers: ClinVar variation 3722840 (VCV003722840.2).